The following is an entry in ClinVar:

NM_001845.6(COL4A1):c.362G>A (p.Gly121Asp)

Gene: COL4A1 (collagen type IV alpha 1 chain; minus strand). Cytogenetic location: 13q34.
Variant type: single nucleotide variant.
Coding change: c.362G>A on transcript NM_001845.6 (MANE Select); coding-DNA position 362, G replaced by A.
Protein change: p.Gly121Asp; replaces glycine 121 with aspartic acid.
Molecular consequence: missense variant.
Genome position (GRCh38, 1-based): chr13:110,212,442, C>T on the plus strand (G>A on the coding strand, the complement: COL4A1 is on the minus strand). VCF-style: chr13-110212442-C-T. GRCh37 (hg19) VCF-style: chr13-110864789-C-T.
Other names: c.362G>A, p.Gly121Asp (NM_001303110.2); short protein forms G121D.
Identifiers: ClinVar variation 2631134 (VCV002631134.1), dbSNP rs2501603236, ClinGen allele CA388726342.

ClinVar aggregate classification (germline): Uncertain significance (1 of 4 stars; one submission).

Conditions:
COL4A1-related disorder. Also called: COL4A1-related condition; COL4A1-related disorders. Identifiers: MedGen CN376119, MONDO:0800461.

Submission:

PreventionGenetics, part of Exact Sciences
Classification: Uncertain significance for COL4A1-related condition. Last evaluated: 2023-08-28. Review status: criteria provided, single submitter. Criteria: ACMG Guidelines, 2015. Collection method: clinical testing. Allele origin: germline.
Comment: The COL4A1 c.362G>A variant is predicted to result in the amino acid substitution p.Gly121Asp. To our knowledge, this variant has not been reported in the literature or in a large population database, indicating this variant is rare. While glycine substitutions within the triple helical domain of COL4A1 are a known mechanism of disease, this variant falls outside the triple helical domain located between amino acids 173-1440. Although we suspect that this variant may be pathogenic, at this time, the clinical significance of this variant is uncertain due to the absence of conclusive functional and genetic evidence.